The following is an entry in ClinVar:

NM_172364.5(CACNA2D4):c.1644+1G>A

Gene: CACNA2D4 (calcium voltage-gated channel auxiliary subunit alpha2delta 4; minus strand). Cytogenetic location: 12p13.33.
Variant type: single nucleotide variant.
Coding change: c.1644+1G>A on transcript NM_172364.5 (MANE Select); the canonical splice donor site of the intron after coding-DNA position 1644, G replaced by A.
Molecular consequence: splice donor variant.
Genome position (GRCh38, 1-based): chr12:1,878,955, C>T on the plus strand (G>A on the coding strand, the complement: CACNA2D4 is on the minus strand). VCF-style: chr12-1878955-C-T. GRCh37 (hg19) VCF-style: chr12-1988121-C-T.
Identifiers: ClinVar variation 3767350 (VCV003767350.1).

ClinVar aggregate classification (germline): Likely pathogenic (1 of 4 stars; one submission).

Conditions:
Retinal cone dystrophy 4 (RCD4). Identifiers: Orphanet 1872, MedGen C1864849, MONDO:0012507, OMIM 610478.

gnomAD v4.1: 1 of 1,613,554 alleles (0.000062%); highest among the groups gnomAD compares: East Asian, 0.0022%; no homozygotes.

Submission:

SingHealth Duke-NUS Institute of Precision Medicine
Classification: Likely pathogenic for Retinal cone dystrophy 4. Last evaluated: 2025-02-05. Review status: criteria provided, single submitter. Criteria: PRISM ACMG Classification Criteria. Collection method: clinical testing. Allele origin: germline. Affected: yes.
Comment: Variant is predicted to cause nonsense-mediated decay in a gene where LOF is a known cause of pathogenicity (PVS1). Variant is not found in gnomAD genomes and homozygous allele count in gnomAD exomes is less than 0 (PM2).